The following is an entry in ClinVar:

ClinVar aggregate classification (germline): Uncertain significance (1 of 4 stars; one submission).

Conditions:
Primary ciliary dyskinesia. Also called: Ciliary dyskinesia. Identifiers: Orphanet 244, MedGen C0008780, MONDO:0016575, HP:0012265.

gnomAD v4.1: 2 of 1,599,300 alleles (0.00013%); highest among the groups gnomAD compares: South Asian, 0.0011%; no homozygotes.

Submission:

Labcorp Genetics (formerly Invitae), Labcorp
Classification: Uncertain significance for Primary ciliary dyskinesia. Last evaluated: 2022-08-06. Review status: criteria provided, single submitter. Criteria: Invitae Variant Classification Sherloc (09022015). Collection method: clinical testing. Allele origin: germline.
Comment: This sequence change falls in intron 91 of the DNAH8 gene. It does not directly change the encoded amino acid sequence of the DNAH8 protein. It affects a nucleotide within the consensus splice site. This variant is not present in population databases (gnomAD no frequency). This variant has not been reported in the literature in individuals affected with DNAH8-related conditions. Variants that disrupt the consensus splice site are a relatively common cause of aberrant splicing (PMID: 17576681, 9536098). Algorithms developed to predict the effect of sequence changes on RNA splicing suggest that this variant may create or strengthen a splice site. In summary, the available evidence is currently insufficient to determine the role of this variant in disease. Therefore, it has been classified as a Variant of Uncertain Significance.

Literature cited by the submitters: PubMed 17576681; PubMed 9536098.

NM_001206927.2(DNAH8):c.13715-3A>G

Gene: DNAH8 (dynein axonemal heavy chain 8; plus strand). Cytogenetic location: 6p21.2.
Variant type: single nucleotide variant.
Coding change: c.13715-3A>G on transcript NM_001206927.2 (MANE Select); 3 bases into the intron before coding-DNA position 13715, A replaced by G.
Molecular consequence: intron variant.
Genome position (GRCh38, 1-based): chr6:39,026,543, A>G. VCF-style: chr6-39026543-A-G. GRCh37 (hg19) VCF-style: chr6-38994319-A-G.
Other names: c.13064-3A>G (NM_001371.4).
Identifiers: ClinVar variation 1976339 (VCV001976339.5), dbSNP rs1338748999, ClinGen allele CA2580074477.